The following is an entry in ClinVar:

ClinVar aggregate classification (germline): Likely benign (0 of 4 stars; one submission).

Conditions:
CNTN2-related disorder. Also called: CNTN2-related condition.

Submission:

PreventionGenetics, part of Exact Sciences
Classification: Likely benign for CNTN2-related condition. Last evaluated: 2019-03-20. Review status: no assertion criteria provided. Collection method: clinical testing. Allele origin: germline.
Comment: This variant is classified as likely benign based on ACMG/AMP sequence variant interpretation guidelines (Richards et al. 2015 PMID: 25741868, with internal and published modifications).

NM_005076.5(CNTN2):c.1422C>T (p.Ile474=)

Gene: CNTN2 (contactin 2; plus strand). Cytogenetic location: 1q32.1.
Variant type: single nucleotide variant.
Coding change: c.1422C>T on transcript NM_005076.5 (MANE Select); coding-DNA position 1422, C replaced by T.
Protein change: p.Ile474=; no amino-acid change (isoleucine 474 retained).
Molecular consequence: synonymous variant. On other transcripts: non-coding transcript variant (1).
Genome position (GRCh38, 1-based): chr1:205,064,653, C>T. VCF-style: chr1-205064653-C-T. GRCh37 (hg19) VCF-style: chr1-205033781-C-T.
Other names: c.1422C>T, p.Ile474= (NM_001346083.2).
Identifiers: ClinVar variation 3057764 (VCV003057764.2), dbSNP rs2526383907, ClinGen allele CA423126019.